The following is an entry in ClinVar:

ClinVar aggregate classification (germline): Uncertain significance. Review status: criteria provided, multiple submitters, no conflicts (2 of 4 stars). 2 submissions from 2 submitters: Uncertain significance (2). Last evaluated 2025-09-28.

Conditions:
ALG9 congenital disorder of glycosylation (CDG1L). Also called: CONGENITAL DISORDER OF GLYCOSYLATION, TYPE Il; ALG9-CDG; CDG Il. Identifiers: Orphanet 79328, MedGen C2931006, MONDO:0012117, OMIM 608776.

Allele frequency attached by ClinVar (database versions not stated): gnomAD exomes 0.00001.

Submissions (2):

Labcorp Genetics (formerly Invitae), Labcorp
Classification: Uncertain significance for ALG9 congenital disorder of glycosylation. Last evaluated: 2025-09-28. Review status: criteria provided, single submitter. Criteria: Invitae Variant Classification Sherloc (09022015). Collection method: clinical testing. Allele origin: germline.
Comment: This sequence change replaces valine, which is neutral and non-polar, with methionine, which is neutral and non-polar, at codon 383 of the ATP6V0A2 protein (p.Val383Met). This variant is not present in population databases (gnomAD no frequency). This variant has not been reported in the literature in individuals affected with ATP6V0A2-related conditions. ClinVar contains an entry for this variant (Variation ID: 434445). Invitae Evidence Modeling of protein sequence and biophysical properties (such as structural, functional, and spatial information, amino acid conservation, physicochemical variation, residue mobility, and thermodynamic stability) indicates that this missense variant is not expected to disrupt ATP6V0A2 protein function with a negative predictive value of 80%. In summary, the available evidence is currently insufficient to determine the role of this variant in disease. Therefore, it has been classified as a Variant of Uncertain Significance.

Genetic Services Laboratory, University of Chicago
Classification: Uncertain significance. Last evaluated: 2017-05-25. Review status: criteria provided, single submitter. Criteria: ACMG Guidelines, 2015. Collection method: clinical testing. Allele origin: germline. Affected: no.

NM_012463.4(ATP6V0A2):c.1147G>A (p.Val383Met)

Gene: ATP6V0A2 (ATPase H+ transporting V0 subunit a2; plus strand). Cytogenetic location: 12q24.31.
Variant type: single nucleotide variant.
Coding change: c.1147G>A on transcript NM_012463.4 (MANE Select); coding-DNA position 1147, G replaced by A.
Protein change: p.Val383Met; replaces valine 383 with methionine.
Molecular consequence: missense variant.
Genome position (GRCh38, 1-based): chr12:123,743,893, G>A. VCF-style: chr12-123743893-G-A. GRCh37 (hg19) VCF-style: chr12-124228440-G-A.
Other names: short protein forms V383M.
Identifiers: ClinVar variation 434445 (VCV000434445.7), dbSNP rs1555298342, ClinGen allele CA387155771.